The following is an entry in ClinVar:

NM_018297.4(NGLY1):c.1612-3T>C

Gene: NGLY1 (N-glycanase 1; minus strand). Cytogenetic location: 3p24.2.
Variant type: single nucleotide variant.
Coding change: c.1612-3T>C on transcript NM_018297.4 (MANE Select); 3 bases into the intron before coding-DNA position 1612, T replaced by C.
Molecular consequence: intron variant.
Genome position (GRCh38, 1-based): chr3:25,720,194, A>G on the plus strand (T>C on the coding strand, the complement: NGLY1 is on the minus strand). VCF-style: chr3-25720194-A-G. GRCh37 (hg19) VCF-style: chr3-25761685-A-G.
Other names: c.1486-3T>C (NM_001145294.2); c.1612-559T>C (NM_001145295.2); c.1558-3T>C (NM_001145293.2).
Identifiers: ClinVar variation 1449018 (VCV001449018.3), dbSNP rs755773365, ClinGen allele CA2289104.

ClinVar aggregate classification (germline): Uncertain significance (1 of 4 stars; one submission).

Conditions:
Congenital disorder of deglycosylation (CDDG). Identifiers: MedGen C3808991, MONDO:0031376.

Allele frequency attached by ClinVar (database versions not stated): gnomAD exomes 0.00001; TOPMed 0.00003; gnomAD 0.00001; ExAC 0.00002.
gnomAD v4.1: 15 of 1,611,614 alleles (0.00093%); highest among the groups gnomAD compares: Middle Eastern, 0.049%; no homozygotes.

Submission:

Labcorp Genetics (formerly Invitae), Labcorp
Classification: Uncertain significance for Congenital disorder of deglycosylation. Last evaluated: 2022-03-25. Review status: criteria provided, single submitter. Criteria: Invitae Variant Classification Sherloc (09022015). Collection method: clinical testing. Allele origin: germline.
Comment: This sequence change falls in intron 10 of the NGLY1 gene. It does not directly change the encoded amino acid sequence of the NGLY1 protein. It affects a nucleotide within the consensus splice site. This variant is present in population databases (rs755773365, gnomAD 0.004%). This variant has not been reported in the literature in individuals affected with NGLY1-related conditions. Variants that disrupt the consensus splice site are a relatively common cause of aberrant splicing (PMID: 17576681, 9536098). Algorithms developed to predict the effect of sequence changes on RNA splicing suggest that this variant is not likely to affect RNA splicing. In summary, the available evidence is currently insufficient to determine the role of this variant in disease. Therefore, it has been classified as a Variant of Uncertain Significance.

Literature cited by the submitters: PubMed 17576681; PubMed 9536098.